The following is an entry in ClinVar:

NM_001930.4(DHPS):c.784+8G>T

Gene: DHPS (deoxyhypusine synthase; minus strand). Cytogenetic location: 19p13.13.
Variant type: single nucleotide variant.
Coding change: c.784+8G>T on transcript NM_001930.4 (MANE Select); 8 bases into the intron after coding-DNA position 784, G replaced by T.
Molecular consequence: intron variant.
Genome position (GRCh38, 1-based): chr19:12,677,283, C>A on the plus strand (G>T on the coding strand, the complement: DHPS is on the minus strand). VCF-style: chr19-12677283-C-A. GRCh37 (hg19) VCF-style: chr19-12788097-C-A.
Other names: c.784+8G>T (NM_001930.3, NM_001369692.1, NM_013406.3 and 1 more transcripts); c.235+8G>T (NM_001369693.1); c.658+8G>T (NM_001206974.2).
Identifiers: ClinVar variation 2571030 (VCV002571030.29), dbSNP rs189109985, ClinGen allele CA9227688.
Genomic context (GRCh38, chr19:12,677,283, plus strand): 5'-GCGCCGAAGTCAGGCCTTGGACTCAGCCAGCCCTCCTTCCCCTCTCCTCTGTGGCCCTAG[C>A]GCCTCACCCTCAACGATGTCCAGGACCAGGCCCGGGTTCTTGTAGGAATGGAAGAAGATC-3'

ClinVar aggregate classification (germline): Likely benign. Review status: criteria provided, multiple submitters, no conflicts (2 of 4 stars). 3 submissions from 3 submitters: Likely benign (2). 1 of the submissions does not count toward it. Last evaluated 2026-09-01.

Conditions:
DHPS-related disorder. Also called: DHPS-related condition.

Allele frequency attached by ClinVar (database versions not stated): 1000 Genomes Project 30x 0.00172; 1000 Genomes Project 0.00220; ESP Exome Variant Server 0.00561.

Submissions (3):

CeGaT Center for Human Genetics Tuebingen
Classification: Likely benign. Last evaluated: 2026-09-01. Review status: criteria provided, single submitter. Criteria: CeGaT Center For Human Genetics Tuebingen Variant Classification Criteria Version 2. Collection method: clinical testing. Allele origin: germline. Affected: yes. Observed: 24 variant alleles.
Comment: DHPS: BP4, BS2

Blueprint Genetics
Classification: Likely benign. Last evaluated: 2024-11-26. Review status: criteria provided, single submitter. Criteria: ACMG Guidelines, 2015. Collection method: clinical testing. Allele origin: germline.

PreventionGenetics, part of Exact Sciences
Classification: Benign for DHPS-related condition. Last evaluated: 2019-11-06. Review status: no assertion criteria provided. Collection method: clinical testing. Allele origin: germline. Not counted in ClinVar's aggregate classification.
Comment: This variant is classified as benign based on ACMG/AMP sequence variant interpretation guidelines (Richards et al. 2015 PMID: 25741868, with internal and published modifications).